The following is an entry in ClinVar:

NM_007129.5(ZIC2):c.1226G>C (p.Arg409Pro)

Gene: ZIC2 (Zic family zinc finger 2; plus strand). Cytogenetic location: 13q32.3.
Variant type: single nucleotide variant.
Coding change: c.1226G>C on transcript NM_007129.5 (MANE Select); coding-DNA position 1226, G replaced by C.
Protein change: p.Arg409Pro; replaces arginine 409 with proline.
Molecular consequence: missense variant.
Genome position (GRCh38, 1-based): chr13:99,985,096, G>C. VCF-style: chr13-99985096-G-C. GRCh37 (hg19) VCF-style: chr13-100637350-G-C.
Other names: short protein forms R409P.
Identifiers: ClinVar variation 4685230 (VCV004685230.1).
Genomic context (GRCh38, chr13:99,985,096, plus strand): 5'-CCGATAAGCCCTATCTCTGCAAGATGTGCGACAAGTCCTACACGCACCCCAGCTCGCTGC[G>C]GAAGCACATGAAGGTACCACCGCGGCGGCCGGGAGGAGGGCGAGGCAGGCCGAGGCGCCG-3'
Protein context (NP_009060.2, residues 399-419): DKSYTHPSSL[Arg409Pro]KHMKVHESSP

ClinVar aggregate classification (germline): Likely pathogenic (1 of 4 stars; one submission).

Submission:

GeneDx
Classification: Likely pathogenic. Last evaluated: 2025-07-01. Review status: criteria provided, single submitter. Criteria: GeneDx Variant Classification Process June 2021. Collection method: clinical testing. Allele origin: germline. Affected: yes.
Comment: Reported among a cohort of patients with schizophrenia (PMID: 22355535) but has not been published as pathogenic or benign in association with a known ZIC2-related disorder to our knowledge; Not observed at significant frequency in large population cohorts (gnomAD); In silico analysis supports that this missense variant has a deleterious effect on protein structure/function; This variant is associated with the following publications: (PMID: 22056782, 22355535, 29391420)